The following is an entry in ClinVar:

ClinVar aggregate classification (germline): Uncertain significance (1 of 4 stars; one submission).

Submission:

CeGaT Center for Human Genetics Tuebingen
Classification: Uncertain significance. Last evaluated: 2025-02-01. Review status: criteria provided, single submitter. Criteria: CeGaT Center For Human Genetics Tuebingen Variant Classification Criteria Version 2. Collection method: clinical testing. Allele origin: germline. Affected: yes. Observed: 4 variant alleles.
Comment: L1CAM: PM2

NM_001278116.2(L1CAM):c.1411G>A (p.Asp471Asn)

Gene: L1CAM (L1 cell adhesion molecule; minus strand). Cytogenetic location: Xq28.
Variant type: single nucleotide variant.
Coding change: c.1411G>A on transcript NM_001278116.2 (MANE Select); coding-DNA position 1411, G replaced by A.
Protein change: p.Asp471Asn; replaces aspartic acid 471 with asparagine.
Molecular consequence: missense variant.
Genome position (GRCh38, 1-based): chrX:153,868,696, C>T on the plus strand (G>A on the coding strand, the complement: L1CAM is on the minus strand). VCF-style: chrX-153868696-C-T. GRCh37 (hg19) VCF-style: chrX-153134151-C-T.
Other names: c.1411G>A, p.Asp471Asn (NM_000425.5, NM_024003.3); c.1396G>A, p.Asp466Asn (NM_001143963.2); short protein forms D471N, D466N.
Identifiers: ClinVar variation 807844 (VCV000807844.42), dbSNP rs1603275442, ClinGen allele CA415126334.